The following is an entry in ClinVar:

ClinVar aggregate classification (germline): Uncertain significance (1 of 4 stars; one submission).

Conditions:
Oculogastrointestinal-neurodevelopmental syndrome. Identifiers: Orphanet 611201, MedGen C5543355, MONDO:0036189, OMIM 619318.

Submission:

Laboratorio de Genetica e Diagnostico Molecular, Hospital Israelita Albert Einstein
Classification: Uncertain significance for Oculogastrointestinal-neurodevelopmental syndrome. Last evaluated: 2025-10-17. Review status: criteria provided, single submitter. Criteria: ACMG Guidelines, 2015. Collection method: clinical testing. Allele origin: germline. Affected: yes.
Comment: ACMG classification criteria: PM2 supporting, PP3 supporting

NM_005632.3(CAPN15):c.2867T>C (p.Ile956Thr)

Gene: CAPN15 (calpain 15; plus strand). Cytogenetic location: 16p13.3.
Variant type: single nucleotide variant.
Coding change: c.2867T>C on transcript NM_005632.3 (MANE Select); coding-DNA position 2867, T replaced by C.
Protein change: p.Ile956Thr; replaces isoleucine 956 with threonine.
Molecular consequence: missense variant.
Genome position (GRCh38, 1-based): chr16:552,734, T>C. VCF-style: chr16-552734-T-C. GRCh37 (hg19) VCF-style: chr16-602734-T-C.
Other names: short protein forms I956T.
Identifiers: ClinVar variation 4846979 (VCV004846979.1).